The following is an entry in ClinVar:

NM_000127.3(EXT1):c.1167del (p.Pro390fs)

Gene: EXT1 (exostosin glycosyltransferase 1; minus strand). Cytogenetic location: 8q24.11.
Variant type: Deletion.
Coding change: c.1167del on transcript NM_000127.3 (MANE Select); coding-DNA position 1167, one base deleted (T; older notation c.1167delT).
Protein change: p.Pro390fs; shifts the reading frame from proline 390.
Molecular consequence: frameshift variant.
Genome position (GRCh38, 1-based): chr8:117,830,347, A deleted on the plus strand (T on the coding strand, the reverse complement: EXT1 is on the minus strand); the first of 2 consecutive A bases (chr8:117,830,347-117,830,348); deleting either gives the same sequence. VCF-style (leftmost placement, unchanged base first): chr8-117830346-GA-G. GRCh37 (hg19) VCF-style: chr8-118842585-GA-G.
Other names: short protein forms P390fs.
Identifiers: ClinVar variation 837714 (VCV000837714.14), dbSNP rs1812078315, ClinGen allele CA916081522.
Genomic context (GRCh38, chr8:117,830,346, plus strand): 5'-ATTGTGTCTGCTGTCTAAGTGCTAGGATTTTATCCTGATGAATAGACCTGATTGTAGAAG[GA>G]ATCTGTAACACAAGGTGAACACATAGGAATTATAACTGTAAAACAAAGAGATGCACTTGA-3'

ClinVar aggregate classification (germline): Pathogenic. Review status: criteria provided, multiple submitters, no conflicts (2 of 4 stars). 2 submissions from 2 submitters: Pathogenic (2). Last evaluated 2025-11-02.

Conditions:
Multiple congenital exostosis (EXT). Also called: Hereditary multiple exostoses; Hereditary multiple exostosis; Hereditary multiple osteochondromas; MULTIPLE CARTILAGINOUS EXOSTOSES; Multiple exostoses; Multiple osteochondromas. Identifiers: Orphanet 321, MedGen C0015306, MONDO:0005508, HP:0002762.
Exostoses, multiple, type 1 (EXT1). Also called: Hereditary Multiple Osteochondromatosis, Type I; EXOSTOSES, MULTIPLE, TYPE I. Identifiers: MedGen CN263289, MONDO:0007585, OMIM 133700.

Submissions (2):

Labcorp Genetics (formerly Invitae), Labcorp
Classification: Pathogenic for Multiple congenital exostosis. Last evaluated: 2025-11-02. Review status: criteria provided, single submitter. Criteria: Invitae Variant Classification Sherloc (09022015). Collection method: clinical testing. Allele origin: germline.
Comment: This sequence change creates a premature translational stop signal (p.Pro390Leufs*13) in the EXT1 gene. It is expected to result in an absent or disrupted protein product. Loss-of-function variants in EXT1 are known to be pathogenic (PMID: 10679937, 11391482, 19810120). This variant is not present in population databases (gnomAD no frequency). This premature translational stop signal has been observed in individual(s) with multiple osteochondromas (PMID: 19810120). ClinVar contains an entry for this variant (Variation ID: 837714). For these reasons, this variant has been classified as Pathogenic.

Institute of Human Genetics Munich, TUM University Hospital
Classification: Pathogenic for Exostoses, multiple, type 1. Last evaluated: 2024-12-23. Review status: criteria provided, single submitter. Criteria: Classification criteria August 2017. Collection method: clinical testing. Allele origin: germline. Inheritance: Autosomal dominant inheritance. Affected: yes. Observed: 1 variant allele.

Literature cited by the submitters: PubMed 10679937 (cited by Labcorp Genetics (formerly Invitae), Labcorp); PubMed 11391482 (cited by Labcorp Genetics (formerly Invitae), Labcorp); PubMed 19810120 (cited by Labcorp Genetics (formerly Invitae), Labcorp).